The following is an entry in ClinVar:

ClinVar aggregate classification (germline): Uncertain significance (1 of 4 stars; one submission).

Conditions:
Glycine encephalopathy. Also called: Nonketotic hyperglycinemia; Non-ketotic hyperglycinemia. Identifiers: Orphanet 407, MedGen C0751748, MONDO:0011612, HP:0008288.

Allele frequency attached by ClinVar (database versions not stated): gnomAD exomes below 0.00001; gnomAD 0.00001.
gnomAD v4.1: 2 of 1,611,220 alleles (0.00012%); highest among the groups gnomAD compares: East Asian, 0.0022%; no homozygotes.

Submission:

Labcorp Genetics (formerly Invitae), Labcorp
Classification: Uncertain significance for Glycine encephalopathy. Last evaluated: 2025-07-14. Review status: criteria provided, single submitter. Criteria: Invitae Variant Classification Sherloc (09022015). Collection method: clinical testing. Allele origin: germline.
Comment: This sequence change replaces aspartic acid, which is acidic and polar, with glutamic acid, which is acidic and polar, at codon 88 of the GLDC protein (p.Asp88Glu). This variant is present in population databases (no rsID available, gnomAD 0.006%). This variant has not been reported in the literature in individuals affected with GLDC-related conditions. ClinVar contains an entry for this variant (Variation ID: 2909176). Invitae Evidence Modeling of protein sequence and biophysical properties (such as structural, functional, and spatial information, amino acid conservation, physicochemical variation, residue mobility, and thermodynamic stability) indicates that this missense variant is not expected to disrupt GLDC protein function with a negative predictive value of 95%. In summary, the available evidence is currently insufficient to determine the role of this variant in disease. Therefore, it has been classified as a Variant of Uncertain Significance.

NM_000170.3(GLDC):c.264T>G (p.Asp88Glu)

Gene: GLDC (glycine decarboxylase; minus strand). Cytogenetic location: 9p24.1.
Variant type: single nucleotide variant.
Coding change: c.264T>G on transcript NM_000170.3 (MANE Select); coding-DNA position 264, T replaced by G.
Protein change: p.Asp88Glu; replaces aspartic acid 88 with glutamic acid.
Molecular consequence: missense variant.
Genome position (GRCh38, 1-based): chr9:6,644,684, A>C on the plus strand (T>G on the coding strand, the complement: GLDC is on the minus strand). VCF-style: chr9-6644684-A-C. GRCh37 (hg19) VCF-style: chr9-6644684-A-C.
Other names: short protein forms D88E.
Identifiers: ClinVar variation 2909176 (VCV002909176.3), dbSNP rs1270530638, ClinGen allele CA372885920.
Genomic context (GRCh38, chr9:6,644,684, plus strand): 5'-TTCCATTTTCAAGGGTCTTTTCAAACGGATGTTGGCAGGGACCGTCTTCTCGATCAATTC[A>C]TCAATGCTCTAAAATTAAAACGCAAGGCAGAGGAAAGTGCCTCTGAGTTAAAAGAGTCAC-3'
Protein context (NP_000161.2, residues 78-98): MLQTLGLASI[Asp88Glu]ELIEKTVPAN